The following is an entry in ClinVar:

NM_001195263.2(PDZD7):c.2179C>T (p.Pro727Ser)

Gene: PDZD7 (PDZ domain containing 7; minus strand). Cytogenetic location: 10q24.31.
Variant type: single nucleotide variant.
Coding change: c.2179C>T on transcript NM_001195263.2 (MANE Select); coding-DNA position 2179, C replaced by T.
Protein change: p.Pro727Ser; replaces proline 727 with serine.
Molecular consequence: missense variant.
Genome position (GRCh38, 1-based): chr10:101,010,710, G>A on the plus strand (C>T on the coding strand, the complement: PDZD7 is on the minus strand). VCF-style: chr10-101010710-G-A. GRCh37 (hg19) VCF-style: chr10-102770467-G-A.
Other names: short protein forms P727S.
Identifiers: ClinVar variation 860466 (VCV000860466.5), dbSNP rs990298922, ClinGen allele CA212978837.

ClinVar aggregate classification (germline): Uncertain significance (1 of 4 stars; one submission).

Allele frequency attached by ClinVar (database versions not stated): TOPMed 0.00023.
gnomAD v4.1: 31 of 1,346,942 alleles (0.0023%); highest among the groups gnomAD compares: Admixed American, 0.038%; no homozygotes.

Submission:

Labcorp Genetics (formerly Invitae), Labcorp
Classification: Uncertain significance. Last evaluated: 2024-10-31. Review status: criteria provided, single submitter. Criteria: Invitae Variant Classification Sherloc (09022015). Collection method: clinical testing. Allele origin: germline.
Comment: This sequence change replaces proline, which is neutral and non-polar, with serine, which is neutral and polar, at codon 727 of the PDZD7 protein (p.Pro727Ser). This variant is present in population databases (no rsID available, gnomAD 0.01%). This variant has not been reported in the literature in individuals affected with PDZD7-related conditions. ClinVar contains an entry for this variant (Variation ID: 860466). Invitae Evidence Modeling of protein sequence and biophysical properties (such as structural, functional, and spatial information, amino acid conservation, physicochemical variation, residue mobility, and thermodynamic stability) indicates that this missense variant is not expected to disrupt PDZD7 protein function with a negative predictive value of 80%. In summary, the available evidence is currently insufficient to determine the role of this variant in disease. Therefore, it has been classified as a Variant of Uncertain Significance.